The following is an entry in ClinVar:

ClinVar aggregate classification (germline): Uncertain significance (1 of 4 stars; one submission).

gnomAD v4.1: 157 of 1,505,010 alleles (0.01%); highest among the groups gnomAD compares: African/African-American, 0.13%; 1 homozygote.

Submission:

Labcorp Genetics (formerly Invitae), Labcorp
Classification: Uncertain significance. Last evaluated: 2025-09-03. Review status: criteria provided, single submitter. Criteria: Invitae Variant Classification Sherloc (09022015). Collection method: clinical testing. Allele origin: germline.
Comment: This sequence change replaces alanine, which is neutral and non-polar, with valine, which is neutral and non-polar, at codon 254 of the LSR protein (p.Ala254Val). This variant is present in population databases (rs151196627, gnomAD 0.1%), and has an allele count higher than expected for a pathogenic variant. This variant has not been reported in the literature in individuals affected with LSR-related conditions. An algorithm developed to predict the effect of missense changes on protein structure and function (PolyPhen-2) suggests that this variant is likely to be tolerated. Algorithms developed to predict the effect of sequence changes on RNA splicing suggest that this variant may disrupt the consensus splice site. In summary, the available evidence is currently insufficient to determine the role of this variant in disease. Therefore, it has been classified as a Variant of Uncertain Significance.

NM_205834.4(LSR):c.617C>T (p.Ala206Val)

Gene: LSR (lipolysis stimulated lipoprotein receptor; plus strand). Cytogenetic location: 19q13.12.
Variant type: single nucleotide variant.
Coding change: c.617C>T on transcript NM_205834.4 (MANE Select); coding-DNA position 617, C replaced by T.
Protein change: p.Ala206Val; replaces alanine 206 with valine.
Molecular consequence: missense variant. On other transcripts: intron variant (5).
Genome position (GRCh38, 1-based): chr19:35,261,967, C>T. VCF-style: chr19-35261967-C-T. GRCh37 (hg19) VCF-style: chr19-35752870-C-T.
Other names: c.575-579C>T (NM_015925.7, NM_001260489.2); c.574+2903C>T (NM_205835.4, NM_001385215.1); c.455-4392C>T (NM_001260490.2); short protein forms A206V.
Identifiers: ClinVar variation 4797363 (VCV004797363.1).
Genomic context (GRCh38, chr19:35,261,967, plus strand): 5'-TCTCTTTTGTCCCTCCAGGGAGGACCTCAGGGGTGGCTGAGCTCTTACCTGGTTTTCAGG[C>T]GGGGCCCATAGAAGGTACGGGGGGTGGATCCTGAGTTGGGCTTCTCGGGAGCTCCCATAC-3'
Protein context (NP_991403.2, residues 196-216): GVAELLPGFQ[Ala206Val]GPIEDWLFVV